The following is an entry in ClinVar:

ClinVar aggregate classification (germline): Uncertain significance (1 of 4 stars; one submission).

Conditions:
Alkaptonuria (AKU). Also called: Homogentisic acidura; Alkaptonuric ochronosis; Alcaptonuria; HOMOGENTISIC ACID OXIDASE DEFICIENCY. Identifiers: Orphanet 56, MedGen C0002066, MONDO:0008753, OMIM 203500.

Allele frequency attached by ClinVar (database versions not stated): gnomAD exomes below 0.00001.
gnomAD v4.1: 1 of 1,614,050 alleles (0.000062%); highest among the groups gnomAD compares: African/African-American, 0.0013%; no homozygotes.

Submission:

Labcorp Genetics (formerly Invitae), Labcorp
Classification: Uncertain significance for Alkaptonuria. Last evaluated: 2023-09-15. Review status: criteria provided, single submitter. Criteria: Invitae Variant Classification Sherloc (09022015). Collection method: clinical testing. Allele origin: germline.
Comment: In summary, the available evidence is currently insufficient to determine the role of this variant in disease. Therefore, it has been classified as a Variant of Uncertain Significance. Advanced modeling of protein sequence and biophysical properties (such as structural, functional, and spatial information, amino acid conservation, physicochemical variation, residue mobility, and thermodynamic stability) performed at Invitae indicates that this missense variant is expected to disrupt HGD protein function. This missense change has been observed in individual(s) with alkaptonuria (Invitae). In at least one individual the data is consistent with being in trans (on the opposite chromosome) from a pathogenic variant. This variant is present in population databases (no rsID available, gnomAD 0.007%). This sequence change replaces threonine, which is neutral and polar, with alanine, which is neutral and non-polar, at codon 167 of the HGD protein (p.Thr167Ala).

NM_000187.4(HGD):c.499A>G (p.Thr167Ala)

Gene: HGD (homogentisate 1,2-dioxygenase; minus strand). Cytogenetic location: 3q13.33.
Variant type: single nucleotide variant.
Coding change: c.499A>G on transcript NM_000187.4 (MANE Select); coding-DNA position 499, A replaced by G.
Protein change: p.Thr167Ala; replaces threonine 167 with alanine.
Molecular consequence: missense variant.
Genome position (GRCh38, 1-based): chr3:120,647,023, T>C on the plus strand (A>G on the coding strand, the complement: HGD is on the minus strand). VCF-style: chr3-120647023-T-C. GRCh37 (hg19) VCF-style: chr3-120365870-T-C.
Other names: short protein forms T167A.
Identifiers: ClinVar variation 2756214 (VCV002756214.3), dbSNP rs1323668606, ClinGen allele CA354077093.
Genomic context (GRCh38, chr3:120,647,023, plus strand): 5'-CATCACCAACCTGAATGACGCAGATCTCATTGGGCTGTACAAGCATCTTGCCAAACTCGG[T>C]GTAAATGAGAAGGTTCCCTTTCTGCGGAACTGACAAAAAAAGACAGGGCAGTGGTGAGCA-3'
Protein context (NP_000178.2, residues 157-177): VPQKGNLLIY[Thr167Ala]EFGKMLVQPN